The following is an entry in ClinVar:

NM_003392.7(WNT5A):c.208A>C (p.Ser70Arg)

Gene: WNT5A (Wnt family member 5A; minus strand). Cytogenetic location: 3p14.3.
Variant type: single nucleotide variant.
Coding change: c.208A>C on transcript NM_003392.7 (MANE Select); coding-DNA position 208, A replaced by C.
Protein change: p.Ser70Arg; replaces serine 70 with arginine.
Molecular consequence: missense variant.
Genome position (GRCh38, 1-based): chr3:55,479,497, T>G on the plus strand (A>C on the coding strand, the complement: WNT5A is on the minus strand). VCF-style: chr3-55479497-T-G. GRCh37 (hg19) VCF-style: chr3-55513525-T-G.
Other names: c.163A>C, p.Ser55Arg (NM_001256105.1, NM_001377271.1, NM_001377272.1); short protein forms S55R, S70R.
Identifiers: ClinVar variation 3675040 (VCV003675040.2).

ClinVar aggregate classification (germline): Uncertain significance (1 of 4 stars; one submission).

Submission:

Labcorp Genetics (formerly Invitae), Labcorp
Classification: Uncertain significance. Last evaluated: 2024-09-17. Review status: criteria provided, single submitter. Criteria: Invitae Variant Classification Sherloc (09022015). Collection method: clinical testing. Allele origin: germline.
Comment: This sequence change replaces serine, which is neutral and polar, with arginine, which is basic and polar, at codon 70 of the WNT5A protein (p.Ser70Arg). This variant is not present in population databases (gnomAD no frequency). This variant has not been reported in the literature in individuals affected with WNT5A-related conditions. Invitae Evidence Modeling of protein sequence and biophysical properties (such as structural, functional, and spatial information, amino acid conservation, physicochemical variation, residue mobility, and thermodynamic stability) indicates that this missense variant is not expected to disrupt WNT5A protein function with a negative predictive value of 80%. In summary, the available evidence is currently insufficient to determine the role of this variant in disease. Therefore, it has been classified as a Variant of Uncertain Significance.